The following is an entry in ClinVar:

NM_003737.4(DCHS1):c.5249C>T (p.Thr1750Ile)

Gene: DCHS1 (dachsous cadherin-related 1; minus strand). Cytogenetic location: 11p15.4.
Variant type: single nucleotide variant.
Coding change: c.5249C>T on transcript NM_003737.4 (MANE Select); coding-DNA position 5249, C replaced by T.
Protein change: p.Thr1750Ile; replaces threonine 1750 with isoleucine.
Molecular consequence: missense variant.
Genome position (GRCh38, 1-based): chr11:6,628,743, G>A on the plus strand (C>T on the coding strand, the complement: DCHS1 is on the minus strand). VCF-style: chr11-6628743-G-A. GRCh37 (hg19) VCF-style: chr11-6649974-G-A.
Other names: short protein forms T1750I.
Identifiers: ClinVar variation 1918741 (VCV001918741.5), dbSNP rs780909180, ClinGen allele CA5860140.

ClinVar aggregate classification (germline): Uncertain significance (1 of 4 stars; one submission).

Allele frequency attached by ClinVar (database versions not stated): gnomAD exomes below 0.00001; ExAC 0.00002; gnomAD 0.00003; TOPMed 0.00003.
gnomAD v4.1: 6 of 1,613,906 alleles (0.00037%); highest among the groups gnomAD compares: African/African-American, 0.008%; no homozygotes.

Submission:

Labcorp Genetics (formerly Invitae), Labcorp
Classification: Uncertain significance. Last evaluated: 2025-06-12. Review status: criteria provided, single submitter. Criteria: Invitae Variant Classification Sherloc (09022015). Collection method: clinical testing. Allele origin: germline.
Comment: This sequence change replaces threonine, which is neutral and polar, with isoleucine, which is neutral and non-polar, at codon 1750 of the DCHS1 protein (p.Thr1750Ile). This variant is present in population databases (rs780909180, gnomAD 0.02%). This variant has not been reported in the literature in individuals affected with DCHS1-related conditions. ClinVar contains an entry for this variant (Variation ID: 1918741). Invitae Evidence Modeling of protein sequence and biophysical properties (such as structural, functional, and spatial information, amino acid conservation, physicochemical variation, residue mobility, and thermodynamic stability) indicates that this missense variant is not expected to disrupt DCHS1 protein function with a negative predictive value of 80%. In summary, the available evidence is currently insufficient to determine the role of this variant in disease. Therefore, it has been classified as a Variant of Uncertain Significance.